The following is an entry in ClinVar:

NM_015978.3(TNNI3K):c.912C>G (p.Phe304Leu)

Genes: FPGT-TNNI3K (FPGT-TNNI3K readthrough; plus strand), TNNI3K (TNNI3 interacting kinase; plus strand). Cytogenetic location: 1p31.1.
Variant type: single nucleotide variant.
Coding change: c.912C>G on transcript NM_015978.3 (MANE Select); coding-DNA position 912, C replaced by G.
Protein change: p.Phe304Leu; replaces phenylalanine 304 with leucine.
Molecular consequence: missense variant.
Genome position (GRCh38, 1-based): chr1:74,343,159, C>G. VCF-style: chr1-74343159-C-G. GRCh37 (hg19) VCF-style: chr1-74808843-C-G.
Other names: c.1215C>G, p.Phe405Leu (NM_001112808.3, NM_001199327.2); short protein forms F304L, F405L.
Identifiers: ClinVar variation 1474167 (VCV001474167.11), dbSNP rs763734400, ClinGen allele CA909055.

ClinVar aggregate classification (germline): Uncertain significance. Review status: criteria provided, multiple submitters, no conflicts (2 of 4 stars). 3 submissions from 3 submitters: Uncertain significance (3). Last evaluated 2025-06-18.

Conditions:
Atrial conduction disease. Identifiers: Orphanet 436242, MedGen CN221670, MONDO:0014500.
Inborn genetic diseases. Identifiers: MedGen C0950123, MeSH D030342.

Allele frequency attached by ClinVar (database versions not stated): gnomAD 0.00001; ExAC 0.00002; gnomAD exomes 0.00002; TOPMed 0.00003.
gnomAD v4.1: 21 of 1,612,182 alleles (0.0013%); highest among the groups gnomAD compares: South Asian, 0.0033%; no homozygotes.

Submissions (3):

Ambry Genetics
Classification: Uncertain significance for Inborn genetic diseases. Last evaluated: 2025-06-18. Review status: criteria provided, single submitter. Criteria: Ambry Variant Classification Scheme 2023. Collection method: clinical testing. Allele origin: germline.

Labcorp Genetics (formerly Invitae), Labcorp
Classification: Uncertain significance. Last evaluated: 2024-06-08. Review status: criteria provided, single submitter. Criteria: Invitae Variant Classification Sherloc (09022015). Collection method: clinical testing. Allele origin: germline.
Comment: This sequence change replaces phenylalanine, which is neutral and non-polar, with leucine, which is neutral and non-polar, at codon 304 of the TNNI3K protein (p.Phe304Leu). This variant is present in population databases (rs763734400, gnomAD 0.007%). This variant has not been reported in the literature in individuals affected with TNNI3K-related conditions. ClinVar contains an entry for this variant (Variation ID: 1474167). Advanced modeling of protein sequence and biophysical properties (such as structural, functional, and spatial information, amino acid conservation, physicochemical variation, residue mobility, and thermodynamic stability) performed at Invitae indicates that this missense variant is not expected to disrupt TNNI3K protein function with a negative predictive value of 80%. In summary, the available evidence is currently insufficient to determine the role of this variant in disease. Therefore, it has been classified as a Variant of Uncertain Significance.

Genome-Nilou Lab
Classification: Uncertain significance for Cardiac conduction disease with or without dilated cardiomyopathy 1. Last evaluated: 2023-04-11. Review status: criteria provided, single submitter. Criteria: ACMG Guidelines, 2015. Collection method: clinical testing. Allele origin: germline. Affected: no.